The following is an entry in ClinVar:

ClinVar aggregate classification (germline): Uncertain significance. Review status: criteria provided, multiple submitters, no conflicts (2 of 4 stars). 2 submissions from 2 submitters: Uncertain significance (2). Last evaluated 2025-09-04.

Conditions:
Hypertrophic cardiomyopathy. Also called: HYPERTROPHIC MYOCARDIOPATHY. Identifiers: Orphanet 217569, MedGen C0007194, MeSH D002312, MONDO:0005045, HP:0001639.

Allele frequency attached by ClinVar (database versions not stated): gnomAD exomes 0.00001.
gnomAD v4.1: 11 of 1,612,726 alleles (0.00068%); highest among the groups gnomAD compares: African/African-American, 0.013%; no homozygotes.

Submissions (2):

Labcorp Genetics (formerly Invitae), Labcorp
Classification: Uncertain significance for Hypertrophic cardiomyopathy. Last evaluated: 2025-09-04. Review status: criteria provided, single submitter. Criteria: Invitae Variant Classification Sherloc (09022015). Collection method: clinical testing. Allele origin: germline.
Comment: This sequence change replaces alanine, which is neutral and non-polar, with proline, which is neutral and non-polar, at codon 1121 of the MYOM1 protein (p.Ala1121Pro). This variant is present in population databases (no rsID available, gnomAD 0.01%). This variant has not been reported in the literature in individuals affected with MYOM1-related conditions. ClinVar contains an entry for this variant (Variation ID: 1730621). Invitae Evidence Modeling of protein sequence and biophysical properties (such as structural, functional, and spatial information, amino acid conservation, physicochemical variation, residue mobility, and thermodynamic stability) has been performed for this missense variant. However, the output from this modeling did not meet the statistical confidence thresholds required to predict the impact of this variant on MYOM1 protein function. In summary, the available evidence is currently insufficient to determine the role of this variant in disease. Therefore, it has been classified as a Variant of Uncertain Significance.

Ambry Genetics
Classification: Uncertain significance. Last evaluated: 2025-06-18. Review status: criteria provided, single submitter. Criteria: Ambry Variant Classification Scheme 2023. Collection method: clinical testing. Allele origin: germline.

NM_003803.4(MYOM1):c.3361G>C (p.Ala1121Pro)

Gene: MYOM1 (myomesin 1; minus strand). Cytogenetic location: 18p11.31.
Variant type: single nucleotide variant.
Coding change: c.3361G>C on transcript NM_003803.4 (MANE Select); coding-DNA position 3361, G replaced by C.
Protein change: p.Ala1121Pro; replaces alanine 1121 with proline.
Molecular consequence: missense variant.
Genome position (GRCh38, 1-based): chr18:3,112,355, C>G on the plus strand (G>C on the coding strand, the complement: MYOM1 is on the minus strand). VCF-style: chr18-3112355-C-G. GRCh37 (hg19) VCF-style: chr18-3112353-C-G.
Other names: c.3073G>C, p.Ala1025Pro (NM_019856.2); short protein forms A1025P, A1121P.
Identifiers: ClinVar variation 1730621 (VCV001730621.4), dbSNP rs1344740531, ClinGen allele CA401704757.